The following is an entry in ClinVar:

ClinVar aggregate classification (germline): Uncertain significance (1 of 4 stars; one submission).

Conditions:
Emery-Dreifuss muscular dystrophy 5, autosomal dominant (EDMD5). Also called: EMERY-DREIFUSS MUSCULAR DYSTROPHY 5. Identifiers: Orphanet 261, MedGen C2751805, MONDO:0013072, OMIM 612999.

Submission:

Labcorp Genetics (formerly Invitae), Labcorp
Classification: Uncertain significance for Emery-Dreifuss muscular dystrophy 5, autosomal dominant. Last evaluated: 2021-07-13. Review status: criteria provided, single submitter. Criteria: Invitae Variant Classification Sherloc (09022015). Collection method: clinical testing. Allele origin: germline.
Comment: In summary, the available evidence is currently insufficient to determine the role of this variant in disease. Therefore, it has been classified as a Variant of Uncertain Significance. This sequence change replaces serine with arginine at codon 3053 of the SYNE2 protein (p.Ser3053Arg). The serine residue is weakly conserved and there is a moderate physicochemical difference between serine and arginine. This variant is not present in population databases (ExAC no frequency). This variant has not been reported in the literature in individuals with SYNE2-related conditions. Algorithms developed to predict the effect of missense changes on protein structure and function output the following: SIFT: "Tolerated"; PolyPhen-2: "Benign"; Align-GVGD: "Class C0". The arginine amino acid residue is found in multiple mammalian species, suggesting that this missense change does not adversely affect protein function. These predictions have not been confirmed by published functional studies and their clinical significance is uncertain.

NM_182914.3(SYNE2):c.9157A>C (p.Ser3053Arg)

Gene: SYNE2 (spectrin repeat containing nuclear envelope protein 2; plus strand). Cytogenetic location: 14q23.2.
Variant type: single nucleotide variant.
Coding change: c.9157A>C on transcript NM_182914.3 (MANE Select); coding-DNA position 9157, A replaced by C.
Protein change: p.Ser3053Arg; replaces serine 3053 with arginine.
Molecular consequence: missense variant.
Genome position (GRCh38, 1-based): chr14:64,053,070, A>C. VCF-style: chr14-64053070-A-C. GRCh37 (hg19) VCF-style: chr14-64519788-A-C.
Other names: c.9157A>C, p.Ser3053Arg (NM_015180.6); short protein forms S3053R.
Identifiers: ClinVar variation 1484685 (VCV001484685.8), dbSNP rs2153577267, ClinGen allele CA389975843.